The following is an entry in ClinVar:

NM_001079843.3(CASZ1):c.139C>T (p.Arg47Ter)

Gene: CASZ1 (castor zinc finger 1; minus strand). Cytogenetic location: 1p36.22.
Variant type: single nucleotide variant.
Coding change: c.139C>T on transcript NM_001079843.3 (MANE Select); coding-DNA position 139, C replaced by T.
Protein change: p.Arg47Ter; replaces arginine 47 with a stop codon.
Molecular consequence: nonsense.
Genome position (GRCh38, 1-based): chr1:10,665,449, G>A on the plus strand (C>T on the coding strand, the complement: CASZ1 is on the minus strand). VCF-style: chr1-10665449-G-A. GRCh37 (hg19) VCF-style: chr1-10725506-G-A.
Other names: c.139C>T, p.Arg47Ter (NM_017766.5); short protein forms R47*.
Identifiers: ClinVar variation 4075648 (VCV004075648.1).

ClinVar aggregate classification (germline): Likely pathogenic (1 of 4 stars; one submission).

Submission:

GeneDx
Classification: Likely pathogenic. Last evaluated: 2025-02-14. Review status: criteria provided, single submitter. Criteria: GeneDx Variant Classification Process June 2021. Collection method: clinical testing. Allele origin: germline. Affected: yes.
Comment: Nonsense variant predicted to result in protein truncation or nonsense mediated decay in a gene for which loss of function is a known mechanism of disease; Not observed at significant frequency in large population cohorts (gnomAD); Has not been previously published as pathogenic or benign to our knowledge